The following is an entry in ClinVar:

NM_001165963.4(SCN1A):c.4892C>A (p.Ser1631Tyr)

Genes: SCN1A (sodium voltage-gated channel alpha subunit 1; minus strand), LOC102724058 (uncharacterized LOC102724058; plus strand). Cytogenetic location: 2q24.3.
Variant type: single nucleotide variant.
Coding change: c.4892C>A on transcript NM_001165963.4 (MANE Select); coding-DNA position 4892, C replaced by A.
Protein change: p.Ser1631Tyr; replaces serine 1631 with tyrosine.
Molecular consequence: missense variant. On other transcripts: non-coding transcript variant (1).
Genome position (GRCh38, 1-based): chr2:165,992,383, G>T on the plus strand (C>A on the coding strand, the complement: SCN1A is on the minus strand). VCF-style: chr2-165992383-G-T. GRCh37 (hg19) VCF-style: chr2-166848893-G-T.
Other names: c.4808C>A, p.Ser1603Tyr (NM_001165964.3, NM_001353957.2, NM_001353958.2); c.4892C>A, p.Ser1631Tyr (NM_001202435.3, NM_001353948.2); c.4859C>A, p.Ser1620Tyr (NM_001353949.2, NM_001353950.2, NM_001353951.2 and 2 more transcripts); c.4856C>A, p.Ser1619Tyr (NM_001353954.2, NM_001353955.2); c.4805C>A, p.Ser1602Tyr (NM_001353960.2); c.2450C>A, p.Ser817Tyr (NM_001353961.2); short protein forms S1602Y, S1603Y, S1619Y, S1620Y, S1631Y, S817Y.
Identifiers: ClinVar variation 3375914 (VCV003375914.2).

ClinVar aggregate classification (germline): Uncertain significance (1 of 4 stars; one submission).

Submission:

GeneDx
Classification: Uncertain significance. Last evaluated: 2025-02-16. Review status: criteria provided, single submitter. Criteria: GeneDx Variant Classification Process June 2021. Collection method: clinical testing. Allele origin: germline.
Comment: Not observed at significant frequency in large population cohorts (gnomAD); In silico analysis supports that this missense variant has a deleterious effect on protein structure/function; This substitution is predicted to be within the extracellular loop between the S3 and S4 transmembrane segments of the fourth homologous domain; Has not been previously published as pathogenic or benign to our knowledge